The following is an entry in ClinVar:

NM_031844.3(HNRNPU):c.1167C>T (p.Cys389=)

Gene: HNRNPU (heterogeneous nuclear ribonucleoprotein U; minus strand). Cytogenetic location: 1q44.
Variant type: single nucleotide variant.
Coding change: c.1167C>T on transcript NM_031844.3 (MANE Select); coding-DNA position 1167, C replaced by T.
Protein change: p.Cys389=; no amino-acid change (cysteine 389 retained).
Molecular consequence: synonymous variant.
Genome position (GRCh38, 1-based): chr1:244,858,792, G>A on the plus strand (C>T on the coding strand, the complement: HNRNPU is on the minus strand). VCF-style: chr1-244858792-G-A. GRCh37 (hg19) VCF-style: chr1-245022094-G-A.
Other names: NC_000001.10:g.245022094G>A; c.1110C>T, p.Cys370= (NM_004501.3).
Identifiers: ClinVar variation 384510 (VCV000384510.2), dbSNP rs906134616, ClinGen allele CA16603676.

ClinVar aggregate classification (germline): Likely benign (1 of 4 stars; one submission).

Allele frequency attached by ClinVar (database versions not stated): gnomAD 0.00001; TOPMed 0.00002.
gnomAD v4.1: 4 of 1,592,324 alleles (0.00025%); highest among the groups gnomAD compares: African/African-American, 0.0013%; no homozygotes.

Submissions (2):

GeneDx
Classification: Likely benign. Last evaluated: 2016-03-11. Review status: criteria provided, single submitter. Criteria: GeneDx Variant Classification (06012015). Collection method: clinical testing. Allele origin: germline. Affected: yes.
Comment: This variant is considered likely benign or benign based on one or more of the following criteria: it is a conservative change, it occurs at a poorly conserved position in the protein, it is predicted to be benign by multiple in silico algorithms, and/or has population frequency not consistent with disease.

Dr. Peter K. Rogan Lab, Western University
No classification provided (evidence only). Condition: Thyroid cancer, nonmedullary, 1. Review status: no classification provided. Collection method: in vitro. Allele origin: not applicable. Functional consequence: skipped exon. Not counted in ClinVar's aggregate classification.